The following is an entry in ClinVar:

NM_000406.3(GNRHR):c.710C>T (p.Thr237Ile)

Gene: GNRHR (gonadotropin releasing hormone receptor; minus strand). Cytogenetic location: 4q13.2.
Variant type: single nucleotide variant.
Coding change: c.710C>T on transcript NM_000406.3 (MANE Select); coding-DNA position 710, C replaced by T.
Protein change: p.Thr237Ile; replaces threonine 237 with isoleucine.
Molecular consequence: missense variant. On other transcripts: synonymous variant (1).
Genome position (GRCh38, 1-based): chr4:67,744,600, G>A on the plus strand (C>T on the coding strand, the complement: GNRHR is on the minus strand). VCF-style: chr4-67744600-G-A. GRCh37 (hg19) VCF-style: chr4-68610318-G-A.
Other names: c.582C>T, p.His194= (NM_001012763.2); short protein forms T237I.
Identifiers: ClinVar variation 3730846 (VCV003730846.1).

ClinVar aggregate classification (germline): Uncertain significance (1 of 4 stars; one submission).

Submission:

GeneDx
Classification: Uncertain significance. Last evaluated: 2024-08-12. Review status: criteria provided, single submitter. Criteria: GeneDx Variant Classification Process June 2021. Collection method: clinical testing. Allele origin: germline. Affected: yes.
Comment: In silico analysis indicates that this missense variant does not alter protein structure/function; Has not been previously published as pathogenic or benign to our knowledge